The following is an entry in ClinVar:

NM_015443.4(KANSL1):c.2330C>A (p.Pro777His)

Gene: KANSL1 (KAT8 regulatory NSL complex subunit 1). Cytogenetic location: 17q21.31.
Variant type: single nucleotide variant.
Coding change: c.2330C>A on transcript NM_015443.4 (MANE Select); coding-DNA position 2330, C replaced by A.
Protein change: p.Pro777His; replaces proline 777 with histidine.
Molecular consequence: missense variant. On other transcripts: intron variant (8).
Genome position (GRCh38, 1-based): chr17:46,039,089, G>T on the plus strand (C>A on the coding strand, the complement: KANSL1 is on the minus strand). VCF-style: chr17-46039089-G-T. GRCh37 (hg19) VCF-style: chr17-44116455-G-T.
Other names: c.2330C>A, p.Pro777His (NM_001193465.2, NM_001193466.2, NM_001379198.1 and 8 more transcripts); c.2228C>A, p.Pro743His (NM_001405859.1, NM_001405860.1, NM_001405861.1 and 1 more transcripts); c.1064C>A, p.Pro355His (NM_001405882.1, NM_001405883.1); c.938-403C>A (NM_001405885.1, NM_001405884.1); c.2204-403C>A (NM_001405879.1, NM_001405875.1, NM_001405878.1 and 3 more transcripts); short protein forms P743H, P355H, P777H.
Identifiers: ClinVar variation 3689039 (VCV003689039.2).

ClinVar aggregate classification (germline): Uncertain significance (1 of 4 stars; one submission).

Conditions:
Koolen-de Vries syndrome (KDVS). Identifiers: Orphanet 96169, MedGen C1864871, MONDO:0012496, OMIM 610443.

Submission:

Labcorp Genetics (formerly Invitae), Labcorp
Classification: Uncertain significance for Koolen-de Vries syndrome. Last evaluated: 2024-08-31. Review status: criteria provided, single submitter. Criteria: Invitae Variant Classification Sherloc (09022015). Collection method: clinical testing. Allele origin: germline.
Comment: This sequence change replaces proline, which is neutral and non-polar, with histidine, which is basic and polar, at codon 777 of the KANSL1 protein (p.Pro777His). This variant is not present in population databases (gnomAD no frequency). This variant has not been reported in the literature in individuals affected with KANSL1-related conditions. An algorithm developed to predict the effect of missense changes on protein structure and function (PolyPhen-2) suggests that this variant is likely to be tolerated. In summary, the available evidence is currently insufficient to determine the role of this variant in disease. Therefore, it has been classified as a Variant of Uncertain Significance.